The following is an entry in ClinVar:

ClinVar aggregate classification (germline): Uncertain significance (1 of 4 stars; one submission).

Conditions:
Werner syndrome (WRN). Identifiers: Orphanet 902, MedGen C0043119, MONDO:0010196, OMIM 277700.

Submission:

Labcorp Genetics (formerly Invitae), Labcorp
Classification: Uncertain significance for Werner syndrome. Last evaluated: 2023-11-02. Review status: criteria provided, single submitter. Criteria: Invitae Variant Classification Sherloc (09022015). Collection method: clinical testing. Allele origin: germline.
Comment: This sequence change replaces serine, which is neutral and polar, with isoleucine, which is neutral and non-polar, at codon 1139 of the WRN protein (p.Ser1139Ile). This variant is not present in population databases (gnomAD no frequency). This variant has not been reported in the literature in individuals affected with WRN-related conditions. An algorithm developed to predict the effect of missense changes on protein structure and function (PolyPhen-2) suggests that this variant is likely to be tolerated. In summary, the available evidence is currently insufficient to determine the role of this variant in disease. Therefore, it has been classified as a Variant of Uncertain Significance.

NM_000553.6(WRN):c.3416G>T (p.Ser1139Ile)

Gene: WRN (WRN RecQ like helicase; plus strand). Cytogenetic location: 8p12.
Variant type: single nucleotide variant.
Coding change: c.3416G>T on transcript NM_000553.6 (MANE Select); coding-DNA position 3416, G replaced by T.
Protein change: p.Ser1139Ile; replaces serine 1139 with isoleucine.
Molecular consequence: missense variant.
Genome position (GRCh38, 1-based): chr8:31,147,085, G>T. VCF-style: chr8-31147085-G-T. GRCh37 (hg19) VCF-style: chr8-31004601-G-T.
Other names: short protein forms S1139I.
Identifiers: ClinVar variation 2692669 (VCV002692669.3), dbSNP rs2130438692, ClinGen allele CA370925324.